The following is an entry in ClinVar:

NM_000091.5(COL4A3):c.3200C>G (p.Pro1067Arg)

Genes: MFF-DT (MFF divergent transcript; minus strand), COL4A3 (collagen type IV alpha 3 chain; plus strand). Cytogenetic location: 2q36.3.
Variant type: single nucleotide variant.
Coding change: c.3200C>G on transcript NM_000091.5 (MANE Select); coding-DNA position 3200, C replaced by G.
Protein change: p.Pro1067Arg; replaces proline 1067 with arginine.
Molecular consequence: missense variant.
Genome position (GRCh38, 1-based): chr2:227,290,876, C>G. VCF-style: chr2-227290876-C-G. GRCh37 (hg19) VCF-style: chr2-228155592-C-G.
Other names: short protein forms P1067R.
Identifiers: ClinVar variation 522454 (VCV000522454.14), dbSNP rs55849096, ClinGen allele CA2147131.

ClinVar aggregate classification (germline): Conflicting classifications of pathogenicity. Review status: criteria provided, conflicting classifications (1 of 4 stars). 5 submissions from 5 submitters: Uncertain significance (3); Likely benign (1). 1 of the submissions does not count toward it. Last evaluated 2026-01-20.

Conditions:
Inborn genetic diseases. Identifiers: MedGen C0950123, MeSH D030342.
Autosomal dominant Alport syndrome (ATS3A). Also called: ALPORT SYNDROME 3A, AUTOSOMAL DOMINANT; Alport syndrome dominant type; Renal failure and sensorineural hearing loss. Identifiers: Orphanet 63, Orphanet 88918, MedGen C5882663, MONDO:0007086, OMIM 104200.
Alport syndrome 3b, autosomal recessive. Identifiers: MedGen C5882699, MONDO:0957811, OMIM 620536.
Hematuria, benign familial, 2 (BFH2). Identifiers: MedGen C5830421, MONDO:0958186, OMIM 620320.

Allele frequency attached by ClinVar (database versions not stated): ESP Exome Variant Server 0.00017; TOPMed 0.00024; 1000 Genomes Project 30x 0.00062; 1000 Genomes Project 0.00080.
gnomAD v4.1: 89 of 1,611,952 alleles (0.0055%); highest among the groups gnomAD compares: African/African-American, 0.095%; no homozygotes.

Submissions (5):

Labcorp Genetics (formerly Invitae), Labcorp
Classification: Likely benign. Last evaluated: 2026-01-20. Review status: criteria provided, single submitter. Criteria: Invitae Variant Classification Sherloc (09022015). Collection method: clinical testing. Allele origin: germline.

Ambry Genetics
Classification: Uncertain significance for Inborn genetic diseases. Last evaluated: 2025-08-22. Review status: criteria provided, single submitter. Criteria: Ambry Variant Classification Scheme 2023. Collection method: clinical testing. Allele origin: germline.

Fulgent Genetics
Classification: Uncertain significance for Autosomal dominant Alport syndrome; Hematuria, benign familial, 2; Alport syndrome 3b, autosomal recessive. Last evaluated: 2024-01-23. Review status: criteria provided, single submitter. Criteria: ACMG Guidelines, 2015. Collection method: clinical testing. Allele origin: germline.

GeneDx
Classification: Uncertain significance. Last evaluated: 2023-10-16. Review status: criteria provided, single submitter. Criteria: GeneDx Variant Classification Process June 2021. Collection method: clinical testing. Allele origin: germline. Affected: yes.
Comment: In silico analysis supports that this missense variant has a deleterious effect on protein structure/function; In silico analysis is inconclusive as to whether the variant alters gene splicing. In the absence of RNA/functional studies, the actual effect of this sequence change is unknown.; Has not been previously published as pathogenic or benign to our knowledge

Bioscientia Institut fuer Medizinische Diagnostik GmbH, Sonic Healthcare
Classification: Uncertain significance for Autosomal dominant Alport syndrome. Last evaluated: 2017-09-18. Review status: no assertion criteria provided. Collection method: clinical testing. Allele origin: germline. Affected: yes. Not counted in ClinVar's aggregate classification.